The following is an entry in ClinVar:

ClinVar aggregate classification (germline): Uncertain significance (1 of 4 stars; one submission).

Conditions:
Duchenne muscular dystrophy (DMD). Also called: Duchenne Muscular Dystrophy (DMD); MUSCULAR DYSTROPHY, PSEUDOHYPERTROPHIC PROGRESSIVE, DUCHENNE TYPE. Identifiers: Orphanet 98896, MedGen C0013264, MONDO:0010679, OMIM 310200.

Submission:

Labcorp Genetics (formerly Invitae), Labcorp
Classification: Uncertain significance for Duchenne muscular dystrophy. Last evaluated: 2021-08-05. Review status: criteria provided, single submitter. Criteria: Invitae Variant Classification Sherloc (09022015). Collection method: clinical testing. Allele origin: germline.
Comment: This variant has not been reported in the literature in individuals affected with DMD-related conditions. The frequency data for this variant in the population databases is not available, as this variant may be reported as separate entries in the ExAC database. This sequence change replaces glutamic acid with lysine at codon 1536 of the DMD protein (p.Glu1536Lys). The glutamic acid residue is highly conserved and there is a small physicochemical difference between glutamic acid and lysine. Experimental studies and prediction algorithms are not available or were not evaluated, and the functional significance of this variant is currently unknown. In summary, the available evidence is currently insufficient to determine the role of this variant in disease. Therefore, it has been classified as a Variant of Uncertain Significance.

NM_004006.3(DMD):c.4605_4606delinsTA (p.Glu1536Lys)

Gene: DMD (dystrophin; minus strand). Cytogenetic location: Xp21.1.
Variant type: Indel.
Coding change: c.4605_4606delinsTA on transcript NM_004006.3 (MANE Select); coding-DNA positions 4605 to 4606, GG replaced by TA.
Protein change: p.Glu1536Lys; replaces glutamic acid 1536 with lysine.
Molecular consequence: missense variant.
Genome position (GRCh38, 1-based): chrX:32,386,378-32,386,379, CC replaced by TA on the plus strand (GG replaced by TA on the coding strand, the reverse complement: DMD is on the minus strand). VCF-style: chrX-32386378-CC-TA. GRCh37 (hg19) VCF-style: chrX-32404495-CC-TA.
Other names: c.4581_4582delinsTA, p.Glu1528Lys (NM_000109.4); c.4593_4594delinsTA, p.Glu1532Lys (NM_004009.3); c.4236_4237delinsTA, p.Glu1413Lys (NM_004010.3); c.582_583delinsTA, p.Glu195Lys (NM_004011.4); c.573_574delinsTA, p.Glu192Lys (NM_004012.4); short protein forms E1528K, E1532K, E192K, E195K, E1413K, E1536K.
Identifiers: ClinVar variation 1475875 (VCV001475875.6), dbSNP rs2147558571, ClinGen allele CA2573158674.